The following is an entry in ClinVar:

ClinVar aggregate classification (germline): Uncertain significance. Review status: criteria provided, multiple submitters, no conflicts (2 of 4 stars). 3 submissions from 3 submitters: Uncertain significance (3). Last evaluated 2024-06-17.

Conditions:
Hereditary cancer-predisposing syndrome. Also called: Hereditary neoplastic syndrome; Neoplastic Syndromes, Hereditary; Tumor predisposition; Hereditary Cancer Syndrome. Identifiers: Orphanet 140162, MedGen C0027672, MeSH D009386, MONDO:0015356.
DICER1-related tumor predisposition. Also called: DICER1 syndrome; DICER1-related pleuropulmonary blastoma cancer predisposition syndrome. Identifiers: Orphanet 284343, MedGen C3839822, MONDO:0100216.

Allele frequency attached by ClinVar (database versions not stated): gnomAD 0.00001.
gnomAD v4.1: 1 of 1,614,050 alleles (0.000062%); highest among the groups gnomAD compares: Non-Finnish European, 0.000085%; no homozygotes.

Submissions (3):

Labcorp Genetics (formerly Invitae), Labcorp
Classification: Uncertain significance for DICER1-related tumor predisposition. Last evaluated: 2024-06-17. Review status: criteria provided, single submitter. Criteria: Invitae Variant Classification Sherloc (09022015). Collection method: clinical testing. Allele origin: germline.
Comment: This sequence change replaces serine, which is neutral and polar, with leucine, which is neutral and non-polar, at codon 1287 of the DICER1 protein (p.Ser1287Leu). This variant is present in population databases (no rsID available, gnomAD 0.01%). This variant has not been reported in the literature in individuals affected with DICER1-related conditions. ClinVar contains an entry for this variant (Variation ID: 1006729). Advanced modeling of protein sequence and biophysical properties (such as structural, functional, and spatial information, amino acid conservation, physicochemical variation, residue mobility, and thermodynamic stability) performed at Invitae indicates that this missense variant is not expected to disrupt DICER1 protein function with a negative predictive value of 80%. In summary, the available evidence is currently insufficient to determine the role of this variant in disease. Therefore, it has been classified as a Variant of Uncertain Significance.

GeneDx
Classification: Uncertain significance. Last evaluated: 2024-04-08. Review status: criteria provided, single submitter. Criteria: GeneDx Variant Classification Process June 2021. Collection method: clinical testing. Allele origin: germline. Affected: yes.
Comment: In silico analysis indicates that this missense variant does not alter protein structure/function; Has not been previously published as pathogenic or benign to our knowledge

Ambry Genetics
Classification: Uncertain significance for Hereditary cancer-predisposing syndrome. Last evaluated: 2022-02-05. Review status: criteria provided, single submitter. Criteria: Ambry Variant Classification Scheme 2023. Collection method: clinical testing. Allele origin: germline.
Comment: The p.S1287L variant (also known as c.3860C>T), located in coding exon 20 of the DICER1 gene, results from a C to T substitution at nucleotide position 3860. The serine at codon 1287 is replaced by leucine, an amino acid with dissimilar properties. This amino acid position is conserved. In addition, this alteration is predicted to be tolerated by in silico analysis. Since supporting evidence is limited at this time, the clinical significance of this alteration remains unclear.

NM_177438.3(DICER1):c.3860C>T (p.Ser1287Leu)

Gene: DICER1 (dicer 1, ribonuclease III; minus strand). Cytogenetic location: 14q32.13.
Variant type: single nucleotide variant.
Coding change: c.3860C>T on transcript NM_177438.3 (MANE Select); coding-DNA position 3860, C replaced by T.
Protein change: p.Ser1287Leu; replaces serine 1287 with leucine.
Molecular consequence: missense variant.
Genome position (GRCh38, 1-based): chr14:95,103,536, G>A on the plus strand (C>T on the coding strand, the complement: DICER1 is on the minus strand). VCF-style: chr14-95103536-G-A. GRCh37 (hg19) VCF-style: chr14-95569873-G-A.
Other names: c.3860C>T, p.Ser1287Leu (NM_001195573.1, NM_001271282.3, NM_001291628.2 and 1 more transcripts); short protein forms S1287L.
Identifiers: ClinVar variation 1006729 (VCV001006729.14), dbSNP rs1263628434, ClinGen allele CA390873292.